The following is an entry in ClinVar:

NM_001080395.3(LMTK1):c.310A>G (p.Met104Val)

Gene: LMTK1 (lemur tail kinase 1; minus strand). Cytogenetic location: 17q25.3.
Variant type: single nucleotide variant.
Coding change: c.310A>G on transcript NM_001080395.3 (MANE Select); coding-DNA position 310, A replaced by G.
Protein change: p.Met104Val; replaces methionine 104 with valine.
Molecular consequence: missense variant. On other transcripts: initiator codon variant (1).
Genome position (GRCh38, 1-based): chr17:81,131,085, T>C on the plus strand (A>G on the coding strand, the complement: LMTK1 is on the minus strand). VCF-style: chr17-81131085-T-C. GRCh37 (hg19) VCF-style: chr17-79104885-T-C.
Other names: p.Met104Val; c.1A>G, p.Met1Val (NM_004920.3); short protein forms M104V, M1V.
Identifiers: ClinVar variation 4879350 (VCV004879350.1).
Genomic context (GRCh38, chr17:81,131,085, plus strand): 5'-GAGGGAGGCCACCCCATCTCCCCACCCAGCCCTCACCTGAGCGCCCAGGCTGCTTGGCCA[T>C]GGGCAAGGAGACCTCCGTGAGTGGCAGGACGTACACGTCGGGCCCGTTCTGTGCTGCCGT-3'
Protein context (NP_001073864.2, residues 94-114): VLPLTEVSLP[Met104Val]AKQPGRSVQL

ClinVar aggregate classification (germline): VUS-mid (1 of 4 stars; one submission).

Conditions:
Neurodevelopmental disorder. Identifiers: MedGen C1535926, MeSH D065886, MONDO:0700092.

Submission:

Department of Medical Genetics, Ordu University Medical School Training and Research Hospital
Classification: VUS-mid for Neurodevelopmental disorder. Last evaluated: 2026-07-16. Review status: criteria provided, single submitter. Criteria: ACMG Guidelines, 2015. Collection method: provider interpretation. Allele origin: germline. Inheritance: Autosomal recessive inheritance. Affected: yes. Observed: 1 variant allele, 1 homozygote.
Comment: On the MANE Select transcript (NM_001080395.3) this is a missense change, p.(Met104Val); on transcript NM_004920.3 the same nucleotide is the initiator codon, giving p.(Met1?), a start-loss affecting a shorter AATK isoform. The variant is absent from ClinVar and ultra-rare in gnomAD v4 (grpmax filtering allele frequency 7.4x10-7; no homozygotes), meeting PM2_Supporting. AATK is not yet an established disease gene (no OMIM phenotype); PM3 could not be applied. Prior chromosomal microarray and FMR1 testing were normal. Classified as a variant of uncertain significance in a candidate gene for an autosomal recessive neurodevelopmental disorder.

Literature cited by the submitters: PubMed 36344539.